The following is an entry in ClinVar:

ClinVar aggregate classification (germline): Pathogenic (1 of 4 stars; one submission).

Submission:

Labcorp Genetics (formerly Invitae), Labcorp
Classification: Pathogenic. Last evaluated: 2023-10-05. Review status: criteria provided, single submitter. Criteria: Invitae Variant Classification Sherloc (09022015). Collection method: clinical testing. Allele origin: germline.
Comment: This sequence change creates a premature translational stop signal (p.Cys714*) in the CUL7 gene. It is expected to result in an absent or disrupted protein product. Loss-of-function variants in CUL7 are known to be pathogenic (PMID: 16142236, 17675530, 19225462). This variant is not present in population databases (gnomAD no frequency). This variant has not been reported in the literature in individuals affected with CUL7-related conditions. For these reasons, this variant has been classified as Pathogenic.

Literature cited by the submitters: PubMed 16142236; PubMed 17675530; PubMed 19225462.

NM_014780.5(CUL7):c.2142_2161del (p.Cys714_Asp721delinsTer)

Gene: CUL7 (cullin 7; minus strand). Cytogenetic location: 6p21.1.
Variant type: Deletion.
Coding change: c.2142_2161del on transcript NM_014780.5 (MANE Select); coding-DNA positions 2142 to 2161, 20 bases deleted (CCTGCGGTCCCCAAACACTG).
Protein change: p.Cys714_Asp721delinsTer.
Molecular consequence: nonsense.
Genome position (GRCh38, 1-based): chr6:43,048,156-43,048,175, CAGTGTTTGGGGACCGCAGG deleted on the plus strand (CCTGCGGTCCCCAAACACTG on the coding strand, the reverse complement: CUL7 is on the minus strand); deleting any 20 consecutive bases within chr6:43,048,156-43,048,178 gives the same sequence; the c. name uses the placement nearest the transcript's 3' end. VCF-style (leftmost placement, unchanged base first): chr6-43048155-TCAGTGTTTGGGGACCGCAGG-T. GRCh37 (hg19) VCF-style: chr6-43015893-TCAGTGTTTGGGGACCGCAGG-T.
Other names: c.2238_2257del, p.Cys746_Asp753delinsTer (NM_001168370.2, NM_001374872.1); c.2142_2161del, p.Cys714_Asp721delinsTer (NM_001374873.1, NM_001374874.1).
Identifiers: ClinVar variation 2877830 (VCV002877830.3), dbSNP rs2532691323, ClinGen allele CA2739273060.
Genomic context (GRCh38, chr6:43,048,155, plus strand): 5'-GTGGCTGCCTTTATCCTCTCCCCCAGCCTCTCCCCAGAGCAGGGCAGGGGTACCTCTCGA[TCAGTGTTTGGGGACCGCAGG>T]CAGGCCATGCAGGCATCCACGGCCTCGTGCCAGGGGAGCAGCAGTGCCTCGGGGAAGTCC-3'